The following is an entry in ClinVar:

NM_201631.4(TGM5):c.1145A>G (p.Lys382Arg)

Gene: TGM5 (transglutaminase 5; minus strand). Cytogenetic location: 15q15.2.
Variant type: single nucleotide variant.
Coding change: c.1145A>G on transcript NM_201631.4 (MANE Select); coding-DNA position 1145, A replaced by G.
Protein change: p.Lys382Arg; replaces lysine 382 with arginine.
Molecular consequence: missense variant.
Genome position (GRCh38, 1-based): chr15:43,239,017, T>C on the plus strand (A>G on the coding strand, the complement: TGM5 is on the minus strand). VCF-style: chr15-43239017-T-C. GRCh37 (hg19) VCF-style: chr15-43531215-T-C.
Other names: c.899A>G, p.Lys300Arg (NM_004245.4); short protein forms K300R, K382R.
Identifiers: ClinVar variation 2242813 (VCV002242813.3), dbSNP rs773467707, ClinGen allele CA7521049.
Genomic context (GRCh38, chr15:43,239,017, plus strand): 5'-TCAGCATTCACCATCGAAAACACAAAGGGCGTGTCATAGTTCAGGTCCACTTCTCCTTCT[T>C]TGATGGCTCTGACAGAGGCAGGGCCACAGCAGTAGACGCCTGAAGGAGAACAGGGGAGCC-3'
Protein context (NP_963925.2, residues 372-392): CCGPASVRAI[Lys382Arg]EGEVDLNYDT

ClinVar aggregate classification (germline): Uncertain significance. Review status: criteria provided, multiple submitters, no conflicts (2 of 4 stars). 2 submissions from 2 submitters: Uncertain significance (2). Last evaluated 2024-02-08.

Conditions:
Inborn genetic diseases. Identifiers: MedGen C0950123, MeSH D030342.

Allele frequency attached by ClinVar (database versions not stated): ExAC 0.00002.
gnomAD v4.1: 12 of 1,613,988 alleles (0.00074%); highest among the groups gnomAD compares: African/African-American, 0.004%; no homozygotes.

Submissions (2):

GeneDx
Classification: Uncertain significance. Last evaluated: 2024-02-08. Review status: criteria provided, single submitter. Criteria: GeneDx Variant Classification Process June 2021. Collection method: clinical testing. Allele origin: germline. Affected: yes.
Comment: Has not been previously published as pathogenic or benign to our knowledge; In silico analysis supports that this missense variant does not alter protein structure/function

Ambry Genetics
Classification: Uncertain significance for Inborn genetic diseases. Last evaluated: 2021-08-10. Review status: criteria provided, single submitter. Criteria: Ambry Variant Classification Scheme 2023. Collection method: clinical testing. Allele origin: germline.